The following is an entry in ClinVar:

NM_145290.4(ADGRA3):c.3926A>G (p.Asn1309Ser)

Gene: ADGRA3 (adhesion G protein-coupled receptor A3; minus strand). Cytogenetic location: 4p15.2.
Variant type: single nucleotide variant.
Coding change: c.3926A>G on transcript NM_145290.4 (MANE Select); coding-DNA position 3926, A replaced by G.
Protein change: p.Asn1309Ser; replaces asparagine 1309 with serine.
Molecular consequence: missense variant.
Genome position (GRCh38, 1-based): chr4:22,387,745, T>C on the plus strand (A>G on the coding strand, the complement: ADGRA3 is on the minus strand). VCF-style: chr4-22387745-T-C. GRCh37 (hg19) VCF-style: chr4-22389368-T-C.
Other names: short protein forms N1309S.
Identifiers: ClinVar variation 1900951 (VCV001900951.5), dbSNP rs144907660, ClinGen allele CA2873266.

ClinVar aggregate classification (germline): Uncertain significance (1 of 4 stars; one submission).

Allele frequency attached by ClinVar (database versions not stated): gnomAD exomes 0.00001; TOPMed 0.00001; ExAC 0.00002; ESP Exome Variant Server 0.00008.
gnomAD v4.1: 20 of 1,613,374 alleles (0.0012%); highest among the groups gnomAD compares: African/African-American, 0.0053%; no homozygotes.

Submission:

Labcorp Genetics (formerly Invitae), Labcorp
Classification: Uncertain significance. Last evaluated: 2022-09-25. Review status: criteria provided, single submitter. Criteria: Invitae Variant Classification Sherloc (09022015). Collection method: clinical testing. Allele origin: germline.
Comment: In summary, the available evidence is currently insufficient to determine the role of this variant in disease. Therefore, it has been classified as a Variant of Uncertain Significance. Algorithms developed to predict the effect of missense changes on protein structure and function (SIFT, PolyPhen-2, Align-GVGD) all suggest that this variant is likely to be tolerated. This sequence change replaces asparagine, which is neutral and polar, with serine, which is neutral and polar, at codon 1309 of the ADGRA3 protein (p.Asn1309Ser). This variant is present in population databases (rs144907660, gnomAD 0.003%). This variant has not been reported in the literature in individuals affected with ADGRA3-related conditions.